The following is an entry in ClinVar:

ClinVar aggregate classification (germline): Uncertain significance (1 of 4 stars; one submission).

Allele frequency attached by ClinVar (database versions not stated): ExAC 0.00002; gnomAD 0.00003; TOPMed 0.00004.
gnomAD v4.1: 6 of 1,613,998 alleles (0.00037%); highest among the groups gnomAD compares: African/African-American, 0.0067%; no homozygotes.

Submission:

Labcorp Genetics (formerly Invitae), Labcorp
Classification: Uncertain significance. Last evaluated: 2023-12-28. Review status: criteria provided, single submitter. Criteria: Invitae Variant Classification Sherloc (09022015). Collection method: clinical testing. Allele origin: germline.
Comment: This sequence change replaces serine, which is neutral and polar, with threonine, which is neutral and polar, at codon 437 of the LAMC3 protein (p.Ser437Thr). This variant is present in population databases (rs764576171, gnomAD 0.02%). This variant has not been reported in the literature in individuals affected with LAMC3-related conditions. An algorithm developed to predict the effect of missense changes on protein structure and function (PolyPhen-2) suggests that this variant is likely to be disruptive. In summary, the available evidence is currently insufficient to determine the role of this variant in disease. Therefore, it has been classified as a Variant of Uncertain Significance.

NM_006059.4(LAMC3):c.1310G>C (p.Ser437Thr)

Gene: LAMC3 (laminin subunit gamma 3; plus strand). Cytogenetic location: 9q34.12.
Variant type: single nucleotide variant.
Coding change: c.1310G>C on transcript NM_006059.4 (MANE Select); coding-DNA position 1310, G replaced by C.
Protein change: p.Ser437Thr; replaces serine 437 with threonine.
Molecular consequence: missense variant.
Genome position (GRCh38, 1-based): chr9:131,041,663, G>C. VCF-style: chr9-131041663-G-C. GRCh37 (hg19) VCF-style: chr9-133917050-G-C.
Other names: short protein forms S437T.
Identifiers: ClinVar variation 2896750 (VCV002896750.3), dbSNP rs764576171, ClinGen allele CA5287038.